The following is an entry in ClinVar:

ClinVar aggregate classification (germline): Uncertain significance. Review status: criteria provided, multiple submitters, no conflicts (2 of 4 stars). 2 submissions from 2 submitters: Uncertain significance (2). Last evaluated 2026-02-24.

Conditions:
Dyskeratosis congenita. Identifiers: Orphanet 1775, MedGen C0265965, MONDO:0015780.
Idiopathic Pulmonary Fibrosis. Also called: Idiopathic fibrosing alveolitis, chronic form; idiopathic fibrosing alveolitis. Identifiers: Orphanet 2032, MedGen C1800706, MeSH D054990, MONDO:0800504.
Dyskeratosis congenita, autosomal dominant 2. Identifiers: MedGen C3151443, MONDO:0013521, OMIM 613989.

Submissions (2):

Ambry Genetics
Classification: Uncertain significance for Dyskeratosis congenita. Last evaluated: 2026-02-24. Review status: criteria provided, single submitter. Criteria: Ambry Variant Classification Scheme 2023. Collection method: clinical testing. Allele origin: germline.
Comment: The p.R37G variant (also known as c.109C>G), located in coding exon 1 of the TERT gene, results from a C to G substitution at nucleotide position 109. The arginine at codon 37 is replaced by glycine, an amino acid with dissimilar properties. This amino acid position is conserved. In addition, the in silico prediction for this alteration is inconclusive. Based on the available evidence, the clinical significance of this variant remains unclear.

Labcorp Genetics (formerly Invitae), Labcorp
Classification: Uncertain significance for Dyskeratosis congenita, autosomal dominant 2; Idiopathic Pulmonary Fibrosis. Last evaluated: 2022-08-23. Review status: criteria provided, single submitter. Criteria: Invitae Variant Classification Sherloc (09022015). Collection method: clinical testing. Allele origin: germline.
Comment: This variant has not been reported in the literature in individuals affected with TERT-related conditions. This variant is not present in population databases (gnomAD no frequency). This sequence change replaces arginine, which is basic and polar, with glycine, which is neutral and non-polar, at codon 37 of the TERT protein (p.Arg37Gly). In summary, the available evidence is currently insufficient to determine the role of this variant in disease. Therefore, it has been classified as a Variant of Uncertain Significance. Advanced modeling of protein sequence and biophysical properties (such as structural, functional, and spatial information, amino acid conservation, physicochemical variation, residue mobility, and thermodynamic stability) performed at Invitae indicates that this missense variant is expected to disrupt TERT protein function. ClinVar contains an entry for this variant (Variation ID: 1427113).

NM_198253.3(TERT):c.109C>G (p.Arg37Gly)

Genes: TERT (telomerase reverse transcriptase; minus strand), LOC110806263 (TERT 5' regulatory region; plus strand). Cytogenetic location: 5p15.33.
Variant type: single nucleotide variant.
Coding change: c.109C>G on transcript NM_198253.3 (MANE Select); coding-DNA position 109, C replaced by G.
Protein change: p.Arg37Gly; replaces arginine 37 with glycine.
Molecular consequence: missense variant. On other transcripts: non-coding transcript variant (2).
Genome position (GRCh38, 1-based): chr5:1,294,881, G>C on the plus strand (C>G on the coding strand, the complement: TERT is on the minus strand). VCF-style: chr5-1294881-G-C. GRCh37 (hg19) VCF-style: chr5-1294996-G-C.
Other names: c.109C>G, p.Arg37Gly (NM_001193376.3); c.109C>G (NM_198253.2); short protein forms R37G.
Identifiers: ClinVar variation 1427113 (VCV001427113.9), dbSNP rs2126692072, ClinGen allele CA359059300.